The following is an entry in ClinVar:

Single allele

Genes: ADCK5 (aarF domain containing kinase 5; plus strand), ADGRB1 (adhesion G protein-coupled receptor B1; plus strand), ARC (activity regulated cytoskeleton associated protein; minus strand), ARHGAP39 (Rho GTPase activating protein 39; minus strand), BOP1 (BOP1 ribosomal biogenesis factor; minus strand) and 287 more. Cytogenetic location: 8q24.3.
Variant type: Duplication.
Identifiers: ClinVar variation 3384214 (VCV003384214.2).

ClinVar aggregate classification (germline): Likely pathogenic (1 of 4 stars; one submission).

Conditions:
Recombinant 8 syndrome. Also called: CHROMOSOME 8q22.1-qter DUPLICATION AND 8pter-p23.1 DELETION; REC8 SYNDROME; SAN LUIS VALLEY SYNDROME. Identifiers: Orphanet 96167, MedGen C0795822, MONDO:0008365, OMIM 179613.

Submission:

Institute for Genomic Medicine, Nationwide Children's Hospital
Classification: Likely pathogenic for Recombinant 8 syndrome. Last evaluated: 2024-11-11. Review status: criteria provided, single submitter. Criteria: ACMG/ClinGen CNV Guidelines, 2019. Collection method: research. Allele origin: de novo. Inheritance: Autosomal dominant inheritance. Affected: yes. Observed: 1 heterozygote.
Comment: Although smaller than typical 8q duplications associated with this syndrome, at least three duplications of similar size are reported in this region as pathogenic. We interpret this variant as Likely Pathogenic.